The following is an entry in ClinVar:

NM_030962.4(SBF2):c.546G>T (p.Gln182His)

Gene: SBF2 (SET binding factor 2; minus strand). Cytogenetic location: 11p15.4.
Variant type: single nucleotide variant.
Coding change: c.546G>T on transcript NM_030962.4 (MANE Select); coding-DNA position 546, G replaced by T.
Protein change: p.Gln182His; replaces glutamine 182 with histidine.
Molecular consequence: missense variant.
Genome position (GRCh38, 1-based): chr11:10,028,525, C>A on the plus strand (G>T on the coding strand, the complement: SBF2 is on the minus strand). VCF-style: chr11-10028525-C-A. GRCh37 (hg19) VCF-style: chr11-10050072-C-A.
Other names: c.546G>T, p.Gln182His (NM_001386342.1, NM_001386339.1); short protein forms Q182H.
Identifiers: ClinVar variation 301873 (VCV000301873.12), dbSNP rs886047534, ClinGen allele CA10636714.

ClinVar aggregate classification (germline): Uncertain significance. Review status: criteria provided, multiple submitters, no conflicts (2 of 4 stars). 2 submissions from 2 submitters: Uncertain significance (2). Last evaluated 2018-01-13.

Conditions:
Charcot-Marie-Tooth disease type 4B2. Also called: CMT 4B2; Charcot-Marie-Tooth Neuropathy Type 4B2; CHARCOT-MARIE-TOOTH DISEASE, WITH FOCALLY FOLDED MYELIN SHEATHS, AUTOSOMAL RECESSIVE, TYPE 4B2; CHARCOT-MARIE-TOOTH DISEASE, DEMYELINATING, TYPE 4B2. Identifiers: Orphanet 99956, MedGen C1858278, MONDO:0011475, OMIM 604563.
Charcot-Marie-Tooth disease type 4. Also called: Charcot-Marie-Tooth disease, type IV; Charcot-Marie-Tooth, Type 4. Identifiers: Orphanet 64749, MedGen C4082197, MONDO:0018995.

Allele frequency attached by ClinVar (database versions not stated): TOPMed below 0.00001; gnomAD 0.00001; gnomAD exomes 0.00001.
gnomAD v4.1: 9 of 1,613,404 alleles (0.00056%); highest among the groups gnomAD compares: Non-Finnish European, 0.00068%; no homozygotes.

Submissions (2):

Illumina Laboratory Services, Illumina
Classification: Uncertain significance for Charcot-Marie-Tooth disease type 4B2. Last evaluated: 2018-01-13. Review status: criteria provided, single submitter. Criteria: ICSL Variant Classification Criteria 13 December 2019. Collection method: clinical testing. Allele origin: germline.

Labcorp Genetics (formerly Invitae), Labcorp
Classification: Uncertain significance for Charcot-Marie-Tooth disease type 4. Last evaluated: 2017-08-29. Review status: criteria provided, single submitter. Criteria: Invitae Variant Classification Sherloc (09022015). Collection method: clinical testing. Allele origin: germline.
Comment: In summary, the available evidence is currently insufficient to determine the role of this variant in disease. Therefore, it has been classified as a Variant of Uncertain Significance. This variant has not been reported in the literature in individuals with SBF2-related disease. ClinVar contains an entry for this variant (Variation ID: 301873). Algorithms developed to predict the effect of missense changes on protein structure and function do not agree on the potential impact of this missense change (SIFT: "Tolerated"; PolyPhen-2: "Probably Damaging"; Align-GVGD: "Class C0"). This variant is not present in population databases (ExAC no frequency). This sequence change replaces glutamine with histidine at codon 182 of the SBF2 protein (p.Gln182His). The glutamine residue is moderately conserved and there is a small physicochemical difference between glutamine and histidine.